The following is an entry in ClinVar:

NM_000238.4(KCNH2):c.1567C>A (p.Leu523Met)

Gene: KCNH2 (potassium voltage-gated channel subfamily H member 2; minus strand). Cytogenetic location: 7q36.1.
Variant type: single nucleotide variant.
Coding change: c.1567C>A on transcript NM_000238.4 (MANE Select); coding-DNA position 1567, C replaced by A.
Protein change: p.Leu523Met; replaces leucine 523 with methionine.
Molecular consequence: missense variant.
Genome position (GRCh38, 1-based): chr7:150,951,826, G>T on the plus strand (C>A on the coding strand, the complement: KCNH2 is on the minus strand). VCF-style: chr7-150951826-G-T. GRCh37 (hg19) VCF-style: chr7-150648914-G-T.
Other names: c.547C>A, p.Leu183Met (NM_001204798.2, NM_172057.3); c.1279C>A, p.Leu427Met (NM_001406753.1, NM_001406756.1); c.1390C>A, p.Leu464Met (NM_001406755.1); c.1267C>A, p.Leu423Met (NM_001406757.1); c.1567C>A, p.Leu523Met (NM_172056.3); short protein forms L523M, L183M, L464M, L423M, L427M.
Identifiers: ClinVar variation 405357 (VCV000405357.8), dbSNP rs1060500671, ClinGen allele CA16612308.

ClinVar aggregate classification (germline): Uncertain significance. Review status: criteria provided, multiple submitters, no conflicts (2 of 4 stars). 2 submissions from 2 submitters: Uncertain significance (2). Last evaluated 2024-04-25.

Conditions:
Long QT syndrome (LQTS). Identifiers: MedGen C0023976, MeSH D008133, MONDO:0002442. Disease mechanism: loss of function. Inheritance: Various modes of inheritance.

Allele frequency attached by ClinVar (database versions not stated): gnomAD exomes below 0.00001.
gnomAD v4.1: 1 of 1,575,582 alleles (0.000063%); highest among the groups gnomAD compares: Non-Finnish European, 0.000086%; no homozygotes.

Submissions (2):

All of Us Research Program, National Institutes of Health
Classification: Uncertain significance for Long QT syndrome. Last evaluated: 2024-04-25. Review status: criteria provided, single submitter. Criteria: ACMG Guidelines, 2015. Collection method: clinical testing. Allele origin: germline. Inheritance: Autosomal dominant inheritance. Observed: 1 variant allele, 1 heterozygote.
Comment: This missense variant replaces leucine with methionine at codon 523 of the KCNH2 protein. Computational prediction is inconclusive regarding the impact of this variant on protein structure and function (internally defined REVEL score threshold 0.5 < inconclusive < 0.7, PMID: 27666373). To our knowledge, functional studies have not been reported for this variant. This variant has not been reported in individuals affected with KCNH2-related disorders in the literature. This variant has not been identified in the general population by the Genome Aggregation Database (gnomAD). The available evidence is insufficient to determine the role of this variant in disease conclusively. Therefore, this variant is classified as a Variant of Uncertain Significance.

This study involves interpretation of variants in research participants for the purpose of population health screening. Participant phenotype was not available at the time of variant classification. Additional details can be found in publication PMID: 35346344, PMCID: PMC8962531

Labcorp Genetics (formerly Invitae), Labcorp
Classification: Uncertain significance for Long QT syndrome. Last evaluated: 2021-10-21. Review status: criteria provided, single submitter. Criteria: Invitae Variant Classification Sherloc (09022015). Collection method: clinical testing. Allele origin: germline.
Comment: Algorithms developed to predict the effect of missense changes on protein structure and function are either unavailable or do not agree on the potential impact of this missense change (SIFT: "Deleterious"; PolyPhen-2: "Probably Damaging"; Align-GVGD: "Class C0"). In summary, the available evidence is currently insufficient to determine the role of this variant in disease. Therefore, it has been classified as a Variant of Uncertain Significance. This variant has not been reported in the literature in individuals affected with KCNH2-related conditions. This variant is not present in population databases (ExAC no frequency). This sequence change replaces leucine with methionine at codon 523 of the KCNH2 protein (p.Leu523Met). The leucine residue is highly conserved and there is a small physicochemical difference between leucine and methionine.